The following is an entry in ClinVar:

NM_004974.4(KCNA2):c.628A>G (p.Ile210Val)

Gene: KCNA2 (potassium voltage-gated channel subfamily A member 2; minus strand). Cytogenetic location: 1p13.3.
Variant type: single nucleotide variant.
Coding change: c.628A>G on transcript NM_004974.4 (MANE Select); coding-DNA position 628, A replaced by G.
Protein change: p.Ile210Val; replaces isoleucine 210 with valine.
Molecular consequence: missense variant.
Genome position (GRCh38, 1-based): chr1:110,604,155, T>C on the plus strand (A>G on the coding strand, the complement: KCNA2 is on the minus strand). VCF-style: chr1-110604155-T-C. GRCh37 (hg19) VCF-style: chr1-111146777-T-C.
Other names: c.628A>G, p.Ile210Val (NM_001204269.2); short protein forms I210V.
Identifiers: ClinVar variation 1360055 (VCV001360055.6), dbSNP rs1649485938, ClinGen allele CA341603568.

ClinVar aggregate classification (germline): Uncertain significance (1 of 4 stars; one submission).

Conditions:
Developmental and epileptic encephalopathy, 32 (DEE32). Also called: Epileptic encephalopathy, early infantile, 32. Identifiers: Orphanet 442835, MedGen C4225350, MONDO:0014607, OMIM 616366.

Submission:

Labcorp Genetics (formerly Invitae), Labcorp
Classification: Uncertain significance for Developmental and epileptic encephalopathy, 32. Last evaluated: 2022-09-27. Review status: criteria provided, single submitter. Criteria: Invitae Variant Classification Sherloc (09022015). Collection method: clinical testing. Allele origin: germline.
Comment: ClinVar contains an entry for this variant (Variation ID: 1360055). In summary, the available evidence is currently insufficient to determine the role of this variant in disease. Therefore, it has been classified as a Variant of Uncertain Significance. Advanced modeling of protein sequence and biophysical properties (such as structural, functional, and spatial information, amino acid conservation, physicochemical variation, residue mobility, and thermodynamic stability) performed at Invitae indicates that this missense variant is not expected to disrupt KCNA2 protein function. This variant has not been reported in the literature in individuals affected with KCNA2-related conditions. This variant is not present in population databases (gnomAD no frequency). This sequence change replaces isoleucine, which is neutral and non-polar, with valine, which is neutral and non-polar, at codon 210 of the KCNA2 protein (p.Ile210Val).